The following is an entry in ClinVar:

NM_001162501.2(TNRC6B):c.128C>T (p.Thr43Met)

Gene: TNRC6B (trinucleotide repeat containing adaptor 6B; plus strand). Cytogenetic location: 22q13.1.
Variant type: single nucleotide variant.
Coding change: c.128C>T on transcript NM_001162501.2 (MANE Select); coding-DNA position 128, C replaced by T.
Protein change: p.Thr43Met; replaces threonine 43 with methionine.
Molecular consequence: missense variant.
Genome position (GRCh38, 1-based): chr22:40,261,844, C>T. VCF-style: chr22-40261844-C-T. GRCh37 (hg19) VCF-style: chr22-40657848-C-T.
Other names: c.236C>T, p.Thr79Met (NM_001024843.2); c.128C>T, p.Thr43Met (NM_015088.3); short protein forms T43M, T79M.
Identifiers: ClinVar variation 3342072 (VCV003342072.16).
Genomic context (GRCh38, chr22:40,261,844, plus strand): 5'-ATGTATTTGATGTATTTCAAAGACTGTTTCCCAACCCCTCTCTTTTAGTGCCCGAAGTGA[C>T]GAAACCAAGTTTAAGCCAACCAACGGCCGCCAGCCCAATTGGCAGCTCTCCATCGCCACC-3'
Protein context (NP_001155973.1, residues 33-53): TEQKTKVPEV[Thr43Met]KPSLSQPTAA

ClinVar aggregate classification (germline): Uncertain significance (1 of 4 stars; one submission).

gnomAD v4.1: 1 of 1,570,140 alleles (0.000064%); highest among the groups gnomAD compares: Non-Finnish European, 0.000087%; no homozygotes.

Submission:

CeGaT Center for Human Genetics Tuebingen
Classification: Uncertain significance. Last evaluated: 2024-08-01. Review status: criteria provided, single submitter. Criteria: CeGaT Center For Human Genetics Tuebingen Variant Classification Criteria Version 2. Collection method: clinical testing. Allele origin: germline. Affected: yes. Observed: 1 variant allele.
Comment: TNRC6B: PM2